The following is an entry in ClinVar:

ClinVar aggregate classification (germline): Conflicting classifications of pathogenicity. Review status: criteria provided, conflicting classifications (1 of 4 stars). 2 submissions from 2 submitters: Uncertain significance (1); Likely benign (1). Last evaluated 2026-09-11.

Conditions:
Hereditary cancer-predisposing syndrome. Also called: Neoplastic Syndromes, Hereditary; Hereditary Cancer Syndrome; Hereditary neoplastic syndrome; Tumor predisposition. Identifiers: Orphanet 140162, MedGen C0027672, MeSH D009386, MONDO:0015356.
Familial cancer of breast. Also called: hereditary breast carcinoma; BREAST CANCER, FAMILIAL; Hereditary breast cancer. Identifiers: Orphanet 227535, MedGen C0346153, MONDO:0016419, OMIM 114480. Disease mechanism: loss of function.

Allele frequency attached by ClinVar (database versions not stated): gnomAD exomes below 0.00001; gnomAD 0.00001.
gnomAD v4.1: 2 of 1,614,028 alleles (0.00012%); highest among the groups gnomAD compares: Non-Finnish European, 0.000085%; no homozygotes.

Submissions (2):

Ambry Genetics
Classification: Likely benign for Hereditary cancer-predisposing syndrome. Last evaluated: 2026-09-11. Review status: criteria provided, single submitter. Criteria: Ambry Variant Classification Scheme 2023. Collection method: clinical testing. Allele origin: germline.

Labcorp Genetics (formerly Invitae), Labcorp
Classification: Uncertain significance for Familial cancer of breast. Last evaluated: 2022-05-15. Review status: criteria provided, single submitter. Criteria: Invitae Variant Classification Sherloc (09022015). Collection method: clinical testing. Allele origin: germline.
Comment: In summary, the available evidence is currently insufficient to determine the role of this variant in disease. Therefore, it has been classified as a Variant of Uncertain Significance. Algorithms developed to predict the effect of missense changes on protein structure and function output the following: SIFT: "Tolerated"; PolyPhen-2: "Benign"; Align-GVGD: "Class C0". The glycine amino acid residue is found in multiple mammalian species, which suggests that this missense change does not adversely affect protein function. ClinVar contains an entry for this variant (Variation ID: 654835). This variant has not been reported in the literature in individuals affected with PALB2-related conditions. This variant is present in population databases (no rsID available, gnomAD 0.03%). This sequence change replaces arginine, which is basic and polar, with glycine, which is neutral and non-polar, at codon 646 of the PALB2 protein (p.Arg646Gly).

NM_024675.4(PALB2):c.1936A>G (p.Arg646Gly)

Gene: PALB2 (partner and localizer of BRCA2; minus strand). Cytogenetic location: 16p12.2.
Variant type: single nucleotide variant.
Coding change: c.1936A>G on transcript NM_024675.4 (MANE Select); coding-DNA position 1936, A replaced by G.
Protein change: p.Arg646Gly; replaces arginine 646 with glycine.
Molecular consequence: missense variant.
Genome position (GRCh38, 1-based): chr16:23,630,218, T>C on the plus strand (A>G on the coding strand, the complement: PALB2 is on the minus strand). VCF-style: chr16-23630218-T-C. GRCh37 (hg19) VCF-style: chr16-23641539-T-C.
Other names: short protein forms R646G.
Identifiers: ClinVar variation 654835 (VCV000654835.10), dbSNP rs1303399070, ClinGen allele CA395127453.